The following is an entry in ClinVar:

NM_015450.3(POT1):c.1164-1G>A

Gene: POT1 (protection of telomeres 1; minus strand). Cytogenetic location: 7q31.33.
Variant type: single nucleotide variant.
Coding change: c.1164-1G>A on transcript NM_015450.3 (MANE Select); the canonical splice acceptor site of the intron before coding-DNA position 1164, G replaced by A.
Molecular consequence: splice acceptor variant.
Genome position (GRCh38, 1-based): chr7:124,841,179, C>T on the plus strand (G>A on the coding strand, the complement: POT1 is on the minus strand). VCF-style: chr7-124841179-C-T. GRCh37 (hg19) VCF-style: chr7-124481233-C-T.
Other names: IVSAS, G-A, -1; c.771-1G>A (NM_001042594.2).
Identifiers: ClinVar variation 475026 (VCV000475026.52), dbSNP rs866612394, ClinGen allele CA166104554.
Genomic context (GRCh38, chr7:124,841,179, plus strand): 5'-GTTTTAGTTGCACCATCCTGAAAAATTATATCCAAATCGCCCTCATGTGGAACTTCTTGC[C>T]TAAAATTATTGGCAATGAAATGATAGAAATCGATTTTGGTGTAAGCGTGAAGATTTCCAT-3'

ClinVar aggregate classification (germline): Pathogenic/Likely pathogenic. Review status: criteria provided, multiple submitters, no conflicts (2 of 4 stars). 11 submissions from 11 submitters: Pathogenic (8); Likely pathogenic (1). 2 of the submissions do not count toward it. Last evaluated 2026-07-01.

Conditions:
POT1-related disorder. Also called: POT1-related condition.
Tumor predisposition syndrome 3 (TPDS3). Also called: Melanoma, cutaneous malignant, susceptibility to, 10; Glioma susceptibility 9; LONG TELOMERE SYNDROME, POT1-RELATED; POT1 Tumor Predisposition. Identifiers: Orphanet 618, MedGen C4014476, MONDO:0014368, OMIM 615848.
Long telomere syndrome.
Hereditary cancer-predisposing syndrome. Also called: Neoplastic Syndromes, Hereditary; Hereditary neoplastic syndrome; Hereditary Cancer Syndrome; Tumor predisposition. Identifiers: Orphanet 140162, MedGen C0027672, MeSH D009386, MONDO:0015356.

Allele frequency attached by ClinVar (database versions not stated): gnomAD 0.00002; TOPMed 0.00003.
gnomAD v4.1: 64 of 1,609,146 alleles (0.004%); highest among the groups gnomAD compares: Non-Finnish European, 0.0054%; no homozygotes.

Submissions (12):

PreventionGenetics, part of Exact Sciences
Classification: Pathogenic for POT1-related condition. Last evaluated: 2026-07-01. Review status: criteria provided, single submitter. Criteria: ACMG Guidelines, 2015. Collection method: clinical testing. Allele origin: germline.
Comment: The POT1 c.1164-1G>A variant is predicted to disrupt the AG splice acceptor site and interfere with normal splicing. This variant has been reported in individuals with chronic lymphocytic leukemia (CLL), myeloid leukemia, hairy cell leukemia, melanoma, and posterior fossa ependymoma (Speedy et al. 2016. PubMed ID: 27528712; Huang et al. 2018. PubMed ID: 29625052; Lim et al. 2022. PubMed ID: 34193977; Table S2A, Table S1, Simonin-Wilmer et al. 2022. PubMed ID: 36539277; Goldstein et al. 2023. PubMed ID: 36876055; Gilene et al. 2025. PubMed ID: 39864275). Segregation was demonstrated with CLL in three siblings (Speedy et al. 2016. PubMed ID: 27528712). RNA analysis shows this variant activates a cryptic splice site, creating an alternate splice product that results in loss of function of POT1 (Speedy et al. 2016. PubMed ID: 27528712; Figure S1, DeBoy et al. 2023. PubMed ID: 37140166). This variant is reported in 0.0065% of alleles in individuals of European (non-Finnish) descent in gnomAD and is interpreted as likely pathogenic/pathogenic in ClinVar (Variation ID: 475026). This variant is interpreted as pathogenic.

Labcorp Genetics (formerly Invitae), Labcorp
Classification: Pathogenic for Tumor predisposition syndrome 3. Last evaluated: 2025-12-13. Review status: criteria provided, single submitter. Criteria: Invitae Variant Classification Sherloc (09022015). Collection method: clinical testing. Allele origin: germline.
Comment: This sequence change affects an acceptor splice site in intron 13 of the POT1 gene. RNA analysis indicates that disruption of this splice site induces altered splicing and may result in an absent or altered protein product. The frequency data for this variant in the population databases is considered unreliable, as metrics indicate poor data quality at this position in the gnomAD database. Disruption of this splice site has been observed in individual(s) with clinical features of POT1 tumor predisposition syndrome (PMID: 27528712, 29625052). It has also been observed to segregate with disease in related individuals. ClinVar contains an entry for this variant (Variation ID: 475026). Studies have shown that disruption of this splice site results in partial exon deletion, and produces a non-functional protein and/or introduces a premature termination codon (PMID: 27528712; internal data). For these reasons, this variant has been classified as Pathogenic.

Variantyx, Inc.
Classification: Pathogenic for Tumor predisposition syndrome 3. Last evaluated: 2025-03-28. Review status: criteria provided, single submitter. Criteria: Variantyx Assertion Criteria 2022. Collection method: clinical testing. Allele origin: germline.
Comment: This is a canonical splicing variant in the POT1 gene (OMIM: 606478). Pathogenic variants in this gene have been associated with autosomal dominant tumor predisposition syndrome 3. This splicing variant is expected to result in loss of function, which is a known disease mechanism for POT1 in this disorder (PMID: 32155570) (PVS1). This variant has been reported in at least 3 unrelated affected individual(s) (PMID: 27528712, 34193977, 37994393) (PS4_Moderate), while it has a 0.0054% maximum allele frequency in non-founder control populations (PM2_Supporting). Based on the current evidence, this variant is classified as pathogenic for autosomal dominant tumor predisposition syndrome 3.

Quest Diagnostics Nichols Institute San Juan Capistrano
Classification: Pathogenic. Last evaluated: 2024-09-26. Review status: criteria provided, single submitter. Criteria: Quest Diagnostics criteria. Collection method: clinical testing. Allele origin: unknown.
Comment: The POT1 c.1164-1G>A variant disrupts a canonical splice-acceptor site and interferes with normal POT1 mRNA splicing. This variant has been reported in the published literature in individuals with melanoma (PMID: 36876055 (2023), 36539277(2022)), leukemia (PMID: 34482403 (2022), 34193977 (2021), 29625052 (2018), 27528712 (2016)) and unspecified cancer (PMID: 37140166 (2023)). Functional studies demonstrated that this variant was damaging to protein function (PMID: 37140166 (2023), 36539277 (2022), 27528712 (2016)). The frequency of this variant in the general population, 0.000032 (1/31346 chromosomes (Genome Aggregation Database)), is consistent with pathogenicity. Based on the available information, this variant is classified as pathogenic.

GeneDx
Classification: Pathogenic. Last evaluated: 2024-04-05. Review status: criteria provided, single submitter. Criteria: GeneDx Variant Classification Process June 2021. Collection method: clinical testing. Allele origin: germline. Affected: yes.
Comment: Canonical splice site variant demonstrated to cause aberrant splicing of exon 14 resulting in a null allele in a gene for which loss of function is a known mechanism of disease (PMID: 27528712); Observed in multiple affected individuals in a familial chronic lymphocytic leukemia kindred, as well as in other individuals with cutaneous melanoma or leukemia in published literature (PMID: 27528712, 29625052, 34193977, 36451132, 36876055); Not observed at significant frequency in large population cohorts (gnomAD); This variant is associated with the following publications: (PMID: 30877237, 27528712, 29625052, 34218205, 36451132, 34193977, 34482403, 37140166, 36876055)

St. Jude Molecular Pathology, St. Jude Children's Research Hospital
Classification: Pathogenic for Tumor predisposition syndrome 3. Last evaluated: 2023-11-29. Review status: criteria provided, single submitter. Criteria: St. Jude Assertion Criteria 2020. Collection method: clinical testing. Allele origin: germline.
Comment: The POT1 c.1164-1G>A intronic change results in a G to A substitution at the -1 position of intron 13 of the POT1 gene and is predicted to disrupt the acceptor splice site. This variant has been reported in individual(s) with familial melanoma (PMID: 36876055). In a large case-control study, this variant was reported in 3 of 2928 individuals with cutaneous melanoma and was not detected in 3298 controls (PMID: 36539277). This variant was also found to co-segregate with chronic lymphocytic leukemia in a family in which three individuals were affected (PMID: 27528712). Finally, it has also been observed in 1 individual with hairy cell leukemia (PMID: 34193977). This variant has a maximum subpopulation frequency of 0.0065% in gnomAD v2.1.1. In summary, this variant meets criteria to be classified as pathogenic.

Ambry Genetics
Classification: Pathogenic for Hereditary cancer-predisposing syndrome. Last evaluated: 2023-07-03. Review status: criteria provided, single submitter. Criteria: Ambry Variant Classification Scheme 2023. Collection method: clinical testing. Allele origin: germline.
Comment: The c.1164-1G>A intronic pathogenic mutation results from a G to A substitution one nucleotide upstream from coding exon 10 of the POT1 gene. In one study, whole exome sequencing performed in familial CLL cases identified c.1164-1G>A in three siblings with CLL; their father with non-Hodgkin's lymphoma was not tested. RNA analysis on the proband with this mutation, also designated as 7:g.124481233C>T, confirmed an abnormal splicing product occurring from an alternative splice acceptor site 43 bp downstream (Speedy HE et al. Blood 2016 11;128:2319-2326). In silico splice site analysis predicts that this alteration will weaken the native splice acceptor site and may result in the creation or strengthening of a novel splice acceptor site; however direct evidence is insufficient at this time (Ambry internal data). In addition to the clinical data presented in the literature, alterations that disrupt the canonical splice site are expected to cause aberrant splicing, resulting in an abnormal protein or a transcript that is subject to nonsense-mediated mRNA decay. As such, this alteration is classified as a disease-causing mutation.

Institute for Genomic Medicine (IGM) Clinical Laboratory, Nationwide Children's Hospital
Classification: Pathogenic for Tumor predisposition syndrome 3. Last evaluated: 2023-01-31. Review status: criteria provided, single submitter. Criteria: ACMG Guidelines, 2015. Collection method: clinical testing. Allele origin: germline.
Comment: This variant is predicted to result in loss of function through nonsense-mediated decay of the encoded transcript or premature truncation of the encoded protein in a gene in which loss of function is a known mechanism of disease (ACMG/AMP: PVS1; PMIDs:32155570, 27528712, 24686849). Well-established functional studies have demonstrated this variant to have a damaging effect on protein function or splicing (ACMG/AMP: PS3_Supporting; PMID:27528712). This variant has been reported at an elevated frequency in affected individuals/in multiple affected individuals in the literature (ACMG/AMP: PS4; PMIDs:27528712, 29625052, 36539277, 34193977). This variant is absent from or present at an exceedingly low frequency in gnomAD, a large-scale control population database (ACMG/AMP: PM2).

Genetic Services Laboratory, University of Chicago
Classification: Likely pathogenic. Last evaluated: 2021-11-19. Review status: criteria provided, single submitter. Criteria: ACMG Guidelines, 2015. Collection method: clinical testing. Allele origin: germline. Affected: yes.
Comment: DNA sequence analysis of the POT1 gene demonstrated a sequence change in the canonical splice acceptor site in intron 13, c.1164-1G>A. This sequence change has been previously described in three family members with chronic lymphocytic leukemia (PMID: 27528712). Abnormal splicing product was detected by RT-PCR using cDNA from an individual carrying the c.1164-1G>A change (PMID: 27528712). This sequence change has been described in the gnomAD database in one individual which corresponds to a population frequency of 0.0032 % (dbSNP rs866612394). This sequence change is predicted to affect normal splicing of the POT1 gene and result in an abnormal protein. These collective evidences indicate that this sequence change is likely pathogenic.

OMIM
Classification: Pathogenic for TUMOR PREDISPOSITION SYNDROME 3. Last evaluated: 2023-09-25. Review status: no assertion criteria provided. Collection method: literature only. Allele origin: germline. Not counted in ClinVar's aggregate classification.

The Telomere Center at Johns Hopkins, Johns Hopkins University School of Medicine
Classification: Pathogenic for Long telomere syndrome. Last evaluated: 2022-08-01. Review status: no assertion criteria provided. Collection method: clinical testing. Allele origin: germline. Affected: yes. Not counted in ClinVar's aggregate classification.

Dr. Peter K. Rogan Lab, Western University
No classification provided (evidence only). Condition: Acute myeloid leukemia. Review status: no classification provided. Collection method: in vitro. Allele origin: not applicable. Functional consequence: retained intron. Not counted in ClinVar's aggregate classification.

Literature cited by the submitters: PubMed 27528712 (cited by 4 submitters); PubMed 29625052 (cited by 3 submitters); PubMed 37140166 (cited by Quest Diagnostics Nichols Institute San Juan Capistrano and OMIM); PubMed 34193977 (cited by Quest Diagnostics Nichols Institute San Juan Capistrano and Institute for Genomic Medicine (IGM) Clinical Laboratory, Nationwide Children's Hospital); PubMed 36876055 (cited by Quest Diagnostics Nichols Institute San Juan Capistrano); PubMed 36539277 (cited by Quest Diagnostics Nichols Institute San Juan Capistrano and Institute for Genomic Medicine (IGM) Clinical Laboratory, Nationwide Children's Hospital); PubMed 34482403 (cited by Quest Diagnostics Nichols Institute San Juan Capistrano); PubMed 32155570 (cited by Institute for Genomic Medicine (IGM) Clinical Laboratory, Nationwide Children's Hospital); PubMed 24686849 (cited by Institute for Genomic Medicine (IGM) Clinical Laboratory, Nationwide Children's Hospital).